The following is an entry in ClinVar:

ClinVar aggregate classification (germline): Uncertain significance. Review status: criteria provided, single submitter (1 of 4 stars). 2 submissions from 2 submitters: Uncertain significance (1). 1 of the submissions does not count toward it. Last evaluated 2022-05-12.

Conditions:
Hereditary insensitivity to pain with anhidrosis (CIPA). Also called: hereditary sensory and autonomic neuropathy type 4; FAMILIAL DYSAUTONOMIA, TYPE II; INSENSITIVITY TO PAIN, CONGENITAL, WITH ANHIDROSIS; NEUROPATHY, CONGENITAL SENSORY, WITH ANHIDROSIS; NTRK1 Congenital Insensitivity to Pain with Anhidrosis; HSAN Type IV. Identifiers: Orphanet 642, MedGen C0020074, MONDO:0009746, OMIM 256800.

Allele frequency attached by ClinVar (database versions not stated): gnomAD 0.00001 and 0.00002; ExAC 0.00003; gnomAD exomes 0.00004; TOPMed 0.00004; 1000 Genomes Project 30x 0.00016; 1000 Genomes Project 0.00020.
gnomAD v4.1: 58 of 1,613,784 alleles (0.0036%); highest among the groups gnomAD compares: East Asian, 0.036%; no homozygotes.

Submissions (2):

Labcorp Genetics (formerly Invitae), Labcorp
Classification: Uncertain significance for Hereditary insensitivity to pain with anhidrosis. Last evaluated: 2022-05-12. Review status: criteria provided, single submitter. Criteria: Invitae Variant Classification Sherloc (09022015). Collection method: clinical testing. Allele origin: germline.
Comment: This sequence change replaces proline, which is neutral and non-polar, with leucine, which is neutral and non-polar, at codon 447 of the NTRK1 protein (p.Pro447Leu). This variant is present in population databases (rs202108805, gnomAD 0.02%). This variant has not been reported in the literature in individuals affected with NTRK1-related conditions. ClinVar contains an entry for this variant (Variation ID: 847290). Advanced modeling of protein sequence and biophysical properties (such as structural, functional, and spatial information, amino acid conservation, physicochemical variation, residue mobility, and thermodynamic stability) performed at Invitae indicates that this missense variant is not expected to disrupt NTRK1 protein function. In summary, the available evidence is currently insufficient to determine the role of this variant in disease. Therefore, it has been classified as a Variant of Uncertain Significance.

Natera, Inc.
Classification: Uncertain significance for Hereditary insensitivity to pain with anhidrosis. Last evaluated: 2020-03-01. Review status: no assertion criteria provided. Collection method: clinical testing. Allele origin: germline. Not counted in ClinVar's aggregate classification.

NM_002529.4(NTRK1):c.1358C>T (p.Pro453Leu)

Gene: NTRK1 (neurotrophic receptor tyrosine kinase 1; plus strand). Cytogenetic location: 1q23.1.
Variant type: single nucleotide variant.
Coding change: c.1358C>T on transcript NM_002529.4 (MANE Select); coding-DNA position 1358, C replaced by T.
Protein change: p.Pro453Leu; replaces proline 453 with leucine.
Molecular consequence: missense variant.
Genome position (GRCh38, 1-based): chr1:156,875,523, C>T. VCF-style: chr1-156875523-C-T. GRCh37 (hg19) VCF-style: chr1-156845315-C-T.
Other names: c.1250C>T, p.Pro417Leu (NM_001007792.1); c.1340C>T, p.Pro447Leu (NM_001012331.2); short protein forms P417L, P453L, P447L.
Identifiers: ClinVar variation 847290 (VCV000847290.6), dbSNP rs202108805, ClinGen allele CA1169313.